The following is an entry in ClinVar:

ClinVar aggregate classification (germline): Pathogenic. Review status: criteria provided, single submitter (1 of 4 stars). 3 submissions from 3 submitters: Pathogenic (1). 2 of the submissions do not count toward it. Last evaluated 2024-02-12.

Conditions:
Cone-rod dystrophy 6 (CORD6). Also called: RETINAL CONE DYSTROPHY 2; Cone dystrophy progressive. Identifiers: Orphanet 1872, MedGen C1866293, MONDO:0011143, OMIM 601777.
Leber congenital amaurosis 1 (LCA1). Also called: AMAUROSIS CONGENITA OF LEBER I; RETINAL BLINDNESS, CONGENITAL; Congenital absence of the rods and cones; Leber's congenital tapetoretinal degeneration; Leber's congenital tapetoretinal dysplasia. Identifiers: Orphanet 65, MedGen C2931258, MONDO:0008764, OMIM 204000.

gnomAD v4.1: 5 of 1,609,026 alleles (0.00031%); highest among the groups gnomAD compares: Non-Finnish European, 0.00017%; no homozygotes.

Submissions (3):

Labcorp Genetics (formerly Invitae), Labcorp
Classification: Pathogenic for Leber congenital amaurosis 1; Cone-rod dystrophy 6. Last evaluated: 2024-02-12. Review status: criteria provided, single submitter. Criteria: Invitae Variant Classification Sherloc (09022015). Collection method: clinical testing. Allele origin: germline.
Comment: This sequence change creates a premature translational stop signal (p.Arg1040*) in the GUCY2D gene. It is expected to result in an absent or disrupted protein product. Loss-of-function variants in GUCY2D are known to be pathogenic (PMID: 10951519, 11328726). The frequency data for this variant in the population databases is considered unreliable, as metrics indicate poor data quality at this position in the gnomAD database. This premature translational stop signal has been observed in individual(s) with autosomal recessive Leber congenital amaurosis (PMID: 15024725). ClinVar contains an entry for this variant (Variation ID: 98594). For these reasons, this variant has been classified as Pathogenic.

Laboratory of Genetics in Ophthalmology, Institut Imagine
Classification: Pathogenic for Leber congenital amaurosis 1. Review status: no assertion criteria provided. Collection method: research. Allele origin: inherited. Affected: yes. Observed: 1 variant allele. Not counted in ClinVar's aggregate classification.

Retina International
No classification provided. Review status: no classification provided. Collection method: not provided. Allele origin: not provided. Not counted in ClinVar's aggregate classification.

Literature cited by the submitters: PubMed 10951519 (cited by Labcorp Genetics (formerly Invitae), Labcorp); PubMed 11328726 (cited by Labcorp Genetics (formerly Invitae), Labcorp); PubMed 15024725 (cited by Labcorp Genetics (formerly Invitae), Labcorp and Laboratory of Genetics in Ophthalmology, Institut Imagine).

NM_000180.4(GUCY2D):c.3118C>T (p.Arg1040Ter)

Gene: GUCY2D (guanylate cyclase 2D, retinal; plus strand). Cytogenetic location: 17p13.1.
Variant type: single nucleotide variant.
Coding change: c.3118C>T on transcript NM_000180.4 (MANE Select); coding-DNA position 3118, C replaced by T.
Protein change: p.Arg1040Ter; replaces arginine 1040 with a stop codon.
Molecular consequence: nonsense.
Genome position (GRCh38, 1-based): chr17:8,016,001, C>T. VCF-style: chr17-8016001-C-T. GRCh37 (hg19) VCF-style: chr17-7919319-C-T.
Other names: short protein forms R1040*.
Identifiers: ClinVar variation 98594 (VCV000098594.6), dbSNP rs61750194, ClinGen allele CA226130.